The following is an entry in ClinVar:

NM_000548.5(TSC2):c.2543C>G (p.Ser848Cys)

Gene: TSC2 (TSC complex subunit 2; plus strand). Cytogenetic location: 16p13.3.
Variant type: single nucleotide variant.
Coding change: c.2543C>G on transcript NM_000548.5 (MANE Select); coding-DNA position 2543, C replaced by G.
Protein change: p.Ser848Cys; replaces serine 848 with cysteine.
Molecular consequence: missense variant.
Genome position (GRCh38, 1-based): chr16:2,074,387, C>G. VCF-style: chr16-2074387-C-G. GRCh37 (hg19) VCF-style: chr16-2124388-C-G.
Other names: c.2543C>G, p.Ser848Cys (NM_001077183.3, NM_001114382.3, NM_001363528.2 and 3 more transcripts); c.2432C>G, p.Ser811Cys (NM_001318827.2); c.2396C>G, p.Ser799Cys (NM_001318829.2); c.1943C>G, p.Ser648Cys (NM_001318831.2); c.2576C>G, p.Ser859Cys (NM_001318832.2); short protein forms S848C, S859C, S648C, S811C, S799C.
Identifiers: ClinVar variation 405977 (VCV000405977.11), dbSNP rs1060500922, ClinGen allele CA16615079.

ClinVar aggregate classification (germline): Uncertain significance. Review status: criteria provided, multiple submitters, no conflicts (2 of 4 stars). 2 submissions from 2 submitters: Uncertain significance (2). Last evaluated 2025-09-16.

Conditions:
Hereditary cancer-predisposing syndrome. Also called: Tumor predisposition; Neoplastic Syndromes, Hereditary; Hereditary Cancer Syndrome; Hereditary neoplastic syndrome. Identifiers: Orphanet 140162, MedGen C0027672, MeSH D009386, MONDO:0015356.
Tuberous sclerosis 2 (TSC2). Identifiers: Orphanet 805, MedGen C1860707, MONDO:0013199, OMIM 613254.

Submissions (2):

Labcorp Genetics (formerly Invitae), Labcorp
Classification: Uncertain significance for Tuberous sclerosis 2. Last evaluated: 2025-09-16. Review status: criteria provided, single submitter. Criteria: Invitae Variant Classification Sherloc (09022015). Collection method: clinical testing. Allele origin: germline.
Comment: This sequence change replaces serine, which is neutral and polar, with cysteine, which is neutral and slightly polar, at codon 848 of the TSC2 protein (p.Ser848Cys). This variant is not present in population databases (gnomAD no frequency). This variant has not been reported in the literature in individuals affected with TSC2-related conditions. ClinVar contains an entry for this variant (Variation ID: 405977). An algorithm developed to predict the effect of missense changes on protein structure and function (PolyPhen-2) suggests that this variant is likely to be disruptive. In summary, the available evidence is currently insufficient to determine the role of this variant in disease. Therefore, it has been classified as a Variant of Uncertain Significance.

Ambry Genetics
Classification: Uncertain significance for Hereditary cancer-predisposing syndrome. Last evaluated: 2025-04-17. Review status: criteria provided, single submitter. Criteria: Ambry Variant Classification Scheme 2023. Collection method: clinical testing. Allele origin: germline.
Comment: The p.S848C variant (also known as c.2543C>G), located in coding exon 21 of the TSC2 gene, results from a C to G substitution at nucleotide position 2543. The serine at codon 848 is replaced by cysteine, an amino acid with dissimilar properties. This amino acid position is conserved. In addition, this alteration is predicted to be deleterious by in silico analysis. Based on the available evidence, the clinical significance of this variant remains unclear.